The following is an entry in ClinVar:

ClinVar aggregate classification (germline): Uncertain significance (1 of 4 stars; one submission).

Conditions:
Glutamate formiminotransferase deficiency. Also called: Arakawa syndrome 1; Formiminoglutamic aciduria. Identifiers: Orphanet 51208, MedGen C0268609, MONDO:0009240, OMIM 229100.

Allele frequency attached by ClinVar (database versions not stated): gnomAD 0.00003 and 0.00006; TOPMed 0.00006; gnomAD exomes 0.00013; ExAC 0.00043; 1000 Genomes Project 0.00060; 1000 Genomes Project 30x 0.00078.
gnomAD v4.1: 83 of 1,571,116 alleles (0.0053%); highest among the groups gnomAD compares: South Asian, 0.048%; 1 homozygote.

Submission:

Labcorp Genetics (formerly Invitae), Labcorp
Classification: Uncertain significance for Glutamate formiminotransferase deficiency. Last evaluated: 2026-01-12. Review status: criteria provided, single submitter. Criteria: Invitae Variant Classification Sherloc (09022015). Collection method: clinical testing. Allele origin: germline.
Comment: This sequence change replaces arginine, which is basic and polar, with glutamine, which is neutral and polar, at codon 142 of the FTCD protein (p.Arg142Gln). This variant is present in population databases (rs375990689, gnomAD 0.04%). This variant has not been reported in the literature in individuals affected with FTCD-related conditions. ClinVar contains an entry for this variant (Variation ID: 529458). Invitae Evidence Modeling of protein sequence and biophysical properties (such as structural, functional, and spatial information, amino acid conservation, physicochemical variation, residue mobility, and thermodynamic stability) indicates that this missense variant is expected to disrupt FTCD protein function with a positive predictive value of 80%. In summary, the available evidence is currently insufficient to determine the role of this variant in disease. Therefore, it has been classified as a Variant of Uncertain Significance.

NM_206965.2(FTCD):c.425G>A (p.Arg142Gln)

Genes: FTCD-AS1 (FTCD antisense RNA 1; plus strand), FTCD (formimidoyltransferase cyclodeaminase; minus strand). Cytogenetic location: 21q22.3.
Variant type: single nucleotide variant.
Coding change: c.425G>A on transcript NM_206965.2 (MANE Select); coding-DNA position 425, G replaced by A.
Protein change: p.Arg142Gln; replaces arginine 142 with glutamine.
Molecular consequence: missense variant.
Genome position (GRCh38, 1-based): chr21:46,151,923, C>T on the plus strand (G>A on the coding strand, the complement: FTCD is on the minus strand). VCF-style: chr21-46151923-C-T. GRCh37 (hg19) VCF-style: chr21-47571837-C-T.
Other names: c.425G>A, p.Arg142Gln (NM_001320412.2, NM_006657.3); short protein forms R142Q.
Identifiers: ClinVar variation 529458 (VCV000529458.6), dbSNP rs375990689, ClinGen allele CA10073915.